The following is an entry in ClinVar:

NM_000051.4(ATM):c.7405A>C (p.Asn2469His)

Genes: ATM (ATM serine/threonine kinase; plus strand), C11orf65 (chromosome 11 open reading frame 65; minus strand). Cytogenetic location: 11q22.3.
Variant type: single nucleotide variant.
Coding change: c.7405A>C on transcript NM_000051.4 (MANE Select); coding-DNA position 7405, A replaced by C.
Protein change: p.Asn2469His; replaces asparagine 2469 with histidine.
Molecular consequence: missense variant. On other transcripts: intron variant (2).
Genome position (GRCh38, 1-based): chr11:108,330,311, A>C. VCF-style: chr11-108330311-A-C. GRCh37 (hg19) VCF-style: chr11-108201038-A-C.
Other names: c.7405A>C, p.Asn2469His (NM_001351834.2); c.641-21240T>G (NM_001330368.2); c.*38+4909T>G (NM_001351110.2); short protein forms N2469H.
Identifiers: ClinVar variation 1758758 (VCV001758758.2), dbSNP rs2136457859, ClinGen allele CA382560121.
Genomic context (GRCh38, chr11:108,330,311, plus strand): 5'-GAATTAGCCCTGCGTGCACTGAAAGAGGATCGTAAACGCTTCTTATGTAAAGCAGTTGAA[A>C]ATTATATCAACTGCTTATTAAGTGGAGAAGAACATGATATGTGGGTATTCCGACTTTGTT-3'
Protein context (NP_000042.3, residues 2459-2479): RKRFLCKAVE[Asn2469His]YINCLLSGEE

ClinVar aggregate classification (germline): Uncertain significance (1 of 4 stars; one submission).

Conditions:
Hereditary cancer-predisposing syndrome. Also called: Hereditary neoplastic syndrome; Neoplastic Syndromes, Hereditary; Tumor predisposition; Hereditary Cancer Syndrome. Identifiers: Orphanet 140162, MedGen C0027672, MeSH D009386, MONDO:0015356.

Submission:

Ambry Genetics
Classification: Uncertain significance for Hereditary cancer-predisposing syndrome. Last evaluated: 2022-03-08. Review status: criteria provided, single submitter. Criteria: Ambry Variant Classification Scheme 2023. Collection method: clinical testing. Allele origin: germline.
Comment: The p.N2469H variant (also known as c.7405A>C), located in coding exon 49 of the ATM gene, results from an A to C substitution at nucleotide position 7405. The asparagine at codon 2469 is replaced by histidine, an amino acid with similar properties. This amino acid position is highly conserved in available vertebrate species. In addition, the in silico prediction for this alteration is inconclusive. Since supporting evidence is limited at this time, the clinical significance of this alteration remains unclear.